The following is an entry in ClinVar:

ClinVar aggregate classification (germline): Uncertain significance (1 of 4 stars; one submission).

Conditions:
Aniridia 1 (AN1). Identifiers: Orphanet 250923, MedGen C0344542, MONDO:0024507, OMIM 106210.
Irido-corneo-trabecular dysgenesis (ASGD5). Also called: ANTERIOR SEGMENT DYSGENESIS 5. Identifiers: Orphanet 708, MedGen C0344559, MONDO:0011414, OMIM 604229, HP:0000659.

Submission:

Labcorp Genetics (formerly Invitae), Labcorp
Classification: Uncertain significance for Aniridia 1; Irido-corneo-trabecular dysgenesis. Last evaluated: 2024-11-19. Review status: criteria provided, single submitter. Criteria: Invitae Variant Classification Sherloc (09022015). Collection method: clinical testing. Allele origin: germline.
Comment: This sequence change replaces proline, which is neutral and non-polar, with arginine, which is basic and polar, at codon 22 of the PAX6 protein (p.Pro22Arg). This variant is not present in population databases (gnomAD no frequency). This variant has not been reported in the literature in individuals affected with PAX6-related conditions. Invitae Evidence Modeling of protein sequence and biophysical properties (such as structural, functional, and spatial information, amino acid conservation, physicochemical variation, residue mobility, and thermodynamic stability) indicates that this missense variant is expected to disrupt PAX6 protein function with a positive predictive value of 80%. In summary, the available evidence is currently insufficient to determine the role of this variant in disease. Therefore, it has been classified as a Variant of Uncertain Significance.

NM_001368894.2(PAX6):c.65C>G (p.Pro22Arg)

Gene: PAX6 (paired box 6; minus strand). Cytogenetic location: 11p13.
Variant type: single nucleotide variant.
Coding change: c.65C>G on transcript NM_001368894.2 (MANE Select); coding-DNA position 65, C replaced by G.
Protein change: p.Pro22Arg; replaces proline 22 with arginine.
Molecular consequence: missense variant. On other transcripts: 5 prime UTR variant (12), non-coding transcript variant (2), intron variant (2).
Genome position (GRCh38, 1-based): chr11:31,802,780, G>C on the plus strand (C>G on the coding strand, the complement: PAX6 is on the minus strand). VCF-style: chr11-31802780-G-C. GRCh37 (hg19) VCF-style: chr11-31824328-G-C.
Other names: c.65C>G, p.Pro22Arg (NM_000280.6, NM_001127612.3, NM_001258462.3 and 30 more transcripts); c.-717C>G (NM_001310160.2, NM_001368905.2); c.-386C>G (NM_001310161.3, NM_001368900.2, NM_001368903.2 and 2 more transcripts); c.-344C>G (NM_001368899.2, NM_001368901.2, NM_001368906.2 and 1 more transcripts); c.-675C>G (NM_001368902.2); c.308C>G, p.Pro103Arg (NM_001368910.2); c.68C>G, p.Pro23Arg (NM_001368911.2); c.-267-1004C>G (NM_001368909.2, NM_001368904.2); short protein forms P103R, P22R, P23R.
Identifiers: ClinVar variation 3758113 (VCV003758113.2).